The following is an entry in ClinVar:

NM_001283009.2(RTEL1):c.3213G>A (p.Leu1071=)

Genes: RTEL1 (regulator of telomere elongation helicase 1; plus strand), RTEL1-TNFRSF6B (RTEL1-TNFRSF6B readthrough (NMD candidate); plus strand). Cytogenetic location: 20q13.33.
Variant type: single nucleotide variant.
Coding change: c.3213G>A on transcript NM_001283009.2 (MANE Select); coding-DNA position 3213, G replaced by A.
Protein change: p.Leu1071=; no amino-acid change (leucine 1071 retained).
Molecular consequence: synonymous variant. On other transcripts: non-coding transcript variant (1).
Genome position (GRCh38, 1-based): chr20:63,694,844, G>A. VCF-style: chr20-63694844-G-A. GRCh37 (hg19) VCF-style: chr20-62326197-G-A.
Other names: c.2544G>A, p.Leu848= (NM_001283010.1); c.3213G>A, p.Leu1071= (NM_016434.4); c.3285G>A, p.Leu1095= (NM_032957.5).
Identifiers: ClinVar variation 1611917 (VCV001611917.32), dbSNP rs1209413497, ClinGen allele CA511661568.

ClinVar aggregate classification (germline): Likely benign. Review status: criteria provided, multiple submitters, no conflicts (2 of 4 stars). 2 submissions from 2 submitters: Likely benign (2). Last evaluated 2024-07-31.

Conditions:
Dyskeratosis congenita, autosomal recessive 5 (DKCB5). Identifiers: MedGen C3554656, MONDO:0014076, OMIM 615190.
Pulmonary fibrosis and/or bone marrow failure, Telomere-related, 3. Also called: PULMONARY FIBROSIS AND/OR BONE MARROW FAILURE SYNDROME, TELOMERE-RELATED, 3. Identifiers: Orphanet 2032, MedGen C4225346, MONDO:0014613, OMIM 616373.

Allele frequency attached by ClinVar (database versions not stated): gnomAD exomes 0.00001; TOPMed 0.00002.
gnomAD v4.1: 35 of 1,612,622 alleles (0.0022%); highest among the groups gnomAD compares: Non-Finnish European, 0.0029%; no homozygotes.

Submissions (2):

Labcorp Genetics (formerly Invitae), Labcorp
Classification: Likely benign for Dyskeratosis congenita, autosomal recessive 5; Pulmonary fibrosis and/or bone marrow failure, Telomere-related, 3. Last evaluated: 2024-07-31. Review status: criteria provided, single submitter. Criteria: Invitae Variant Classification Sherloc (09022015). Collection method: clinical testing. Allele origin: germline.

CeGaT Center for Human Genetics Tuebingen
Classification: Likely benign. Last evaluated: 2022-08-01. Review status: criteria provided, single submitter. Criteria: CeGaT Center For Human Genetics Tuebingen Variant Classification Criteria Version 2. Collection method: clinical testing. Allele origin: germline. Affected: yes. Observed: 1 variant allele.
Comment: RTEL1: BP4, BP7